The following is an entry in ClinVar:

ClinVar aggregate classification (germline): Conflicting classifications of pathogenicity. Review status: criteria provided, conflicting classifications (1 of 4 stars). 3 submissions from 3 submitters: Uncertain significance (1); Likely benign (2). Last evaluated 2024-05-31.

Conditions:
Hereditary cancer-predisposing syndrome. Also called: Tumor predisposition; Hereditary Cancer Syndrome; Hereditary neoplastic syndrome; Neoplastic Syndromes, Hereditary. Identifiers: Orphanet 140162, MedGen C0027672, MeSH D009386, MONDO:0015356.

Allele frequency attached by ClinVar (database versions not stated): gnomAD exomes below 0.00001; ExAC 0.00001.

Submissions (4):

Ambry Genetics
Classification: Likely benign for Hereditary cancer-predisposing syndrome. Last evaluated: 2024-05-31. Review status: criteria provided, single submitter. Criteria: Ambry Variant Classification Scheme 2023. Collection method: clinical testing. Allele origin: germline.

GeneDx
Classification: Uncertain significance. Last evaluated: 2020-11-03. Review status: criteria provided, single submitter. Criteria: GeneDx Variant Classification Process June 2021. Collection method: clinical testing. Allele origin: germline. Affected: yes.
Comment: Not observed at a significant frequency in large population cohorts (Lek 2016); In silico analysis supports that this variant does not alter splicing; Also known as 5399C>T; Published functional studies demonstrate no damaging effect: variant was classified as functional based on a saturation genome editing assay measuring cell survival (Findlay 2018); This variant is associated with the following publications: (PMID: 30209399)

Color Diagnostics, LLC DBA Color Health
Classification: Likely benign for Hereditary cancer-predisposing syndrome. Last evaluated: 2017-10-13. Review status: criteria provided, single submitter. Criteria: ACMG Guidelines, 2015. Collection method: clinical testing. Allele origin: germline.

Brotman Baty Institute, University of Washington
No classification provided (evidence only). Condition: Breast-ovarian cancer, familial 1. Review status: no classification provided. Collection method: in vitro. Allele origin: not applicable. Functional consequence: functionally_normal. Not counted in ClinVar's aggregate classification.
ClinVar note: "not provided" was previously submitted as the classification for the variant. However, the classification appeared to be based only on an observation of functional data so it was converted to no classification on 2025-07-30.

NM_007294.4(BRCA1):c.5280C>T (p.Ile1760=)

Gene: BRCA1 (BRCA1 DNA repair associated; minus strand). Cytogenetic location: 17q21.31.
Variant type: single nucleotide variant.
Coding change: c.5280C>T on transcript NM_007294.4 (MANE Select); coding-DNA position 5280, C replaced by T.
Protein change: p.Ile1760=; no amino-acid change (isoleucine 1760 retained).
Molecular consequence: synonymous variant. On other transcripts: intron variant (2).
Genome position (GRCh38, 1-based): chr17:43,051,115, G>A on the plus strand (C>T on the coding strand, the complement: BRCA1 is on the minus strand). VCF-style: chr17-43051115-G-A. GRCh37 (hg19) VCF-style: chr17-41203132-G-A.
Other names: c.4389C>T, p.Ile1463= (NM_001407967.1); c.2676C>T, p.Ile892= (NM_001407968.1); c.2673C>T, p.Ile891= (NM_001407969.1); c.2037C>T, p.Ile679= (NM_001407970.1, NM_001407971.1); c.2034C>T, p.Ile678= (NM_001407972.1); c.1971C>T, p.Ile657= (NM_001407973.1, NM_001407974.1, NM_001407975.1 and 3 more transcripts); c.1968C>T, p.Ile656= (NM_001407979.1, NM_001407980.1, NM_001407981.1 and 13 more transcripts); c.1965C>T, p.Ile655= (NM_001408392.1, NM_001408396.1, NM_001408397.1 and 8 more transcripts); and 74 more.
Identifiers: ClinVar variation 491105 (VCV000491105.9), dbSNP rs750040616, ClinGen allele CA054408.